The following is an entry in ClinVar:

NM_002439.5(MSH3):c.2249A>C (p.Gln750Pro)

Gene: MSH3 (mutS homolog 3; plus strand). Cytogenetic location: 5q14.1.
Variant type: single nucleotide variant.
Coding change: c.2249A>C on transcript NM_002439.5 (MANE Select); coding-DNA position 2249, A replaced by C.
Protein change: p.Gln750Pro; replaces glutamine 750 with proline.
Molecular consequence: missense variant.
Genome position (GRCh38, 1-based): chr5:80,768,999, A>C. VCF-style: chr5-80768999-A-C. GRCh37 (hg19) VCF-style: chr5-80064818-A-C.
Other names: short protein forms Q750P.
Identifiers: ClinVar variation 1788374 (VCV001788374.9), dbSNP rs2546774339, ClinGen allele CA360279806.

ClinVar aggregate classification (germline): Uncertain significance. Review status: criteria provided, multiple submitters, no conflicts (2 of 4 stars). 3 submissions from 3 submitters: Uncertain significance (3). Last evaluated 2024-10-31.

Conditions:
Hereditary cancer-predisposing syndrome. Also called: Neoplastic Syndromes, Hereditary; Tumor predisposition; Hereditary Cancer Syndrome; Hereditary neoplastic syndrome. Identifiers: Orphanet 140162, MedGen C0027672, MeSH D009386, MONDO:0015356.

Submissions (3):

Ambry Genetics
Classification: Uncertain significance for Hereditary cancer-predisposing syndrome. Last evaluated: 2024-10-31. Review status: criteria provided, single submitter. Criteria: Ambry Variant Classification Scheme 2023. Collection method: clinical testing. Allele origin: germline.
Comment: The p.Q750P variant (also known as c.2249A>C), located in coding exon 15 of the MSH3 gene, results from an A to C substitution at nucleotide position 2249. The glutamine at codon 750 is replaced by proline, an amino acid with similar properties. This amino acid position is conserved. In addition, this alteration is predicted to be deleterious by in silico analysis. Since supporting evidence is limited at this time, the clinical significance of this alteration remains unclear.

Labcorp Genetics (formerly Invitae), Labcorp
Classification: Uncertain significance. Last evaluated: 2024-03-06. Review status: criteria provided, single submitter. Criteria: Invitae Variant Classification Sherloc (09022015). Collection method: clinical testing. Allele origin: germline.
Comment: This sequence change replaces glutamine, which is neutral and polar, with proline, which is neutral and non-polar, at codon 750 of the MSH3 protein (p.Gln750Pro). This variant is not present in population databases (gnomAD no frequency). This variant has not been reported in the literature in individuals affected with MSH3-related conditions. ClinVar contains an entry for this variant (Variation ID: 1788374). An algorithm developed to predict the effect of missense changes on protein structure and function (PolyPhen-2) suggests that this variant is likely to be disruptive. In summary, the available evidence is currently insufficient to determine the role of this variant in disease. Therefore, it has been classified as a Variant of Uncertain Significance.

Breakthrough Genomics
Classification: Uncertain significance. Review status: criteria provided, single submitter. Criteria: ACMG Guidelines, 2015. Collection method: not provided. Allele origin: germline. Inheritance: Autosomal recessive inheritance. Affected: yes.